The following is an entry in ClinVar:

NM_024529.5(CDC73):c.1576A>G (p.Lys526Glu)

Gene: CDC73 (cell division cycle 73; plus strand). Cytogenetic location: 1q31.2.
Variant type: single nucleotide variant.
Coding change: c.1576A>G on transcript NM_024529.5 (MANE Select); coding-DNA position 1576, A replaced by G.
Protein change: p.Lys526Glu; replaces lysine 526 with glutamic acid.
Molecular consequence: missense variant.
Genome position (GRCh38, 1-based): chr1:193,250,692, A>G. VCF-style: chr1-193250692-A-G. GRCh37 (hg19) VCF-style: chr1-193219822-A-G.
Other names: short protein forms K526E.
Identifiers: ClinVar variation 2777351 (VCV002777351.3), dbSNP rs2527526307, ClinGen allele CA344078715.

ClinVar aggregate classification (germline): Uncertain significance (1 of 4 stars; one submission).

Conditions:
Parathyroid carcinoma (PRTC). Also called: CDC73-Related Parathyroid Carcinoma; Parathyroid gland carcinoma. Identifiers: Orphanet 143, MedGen C0687150, MONDO:0012004, OMIM 608266, HP:0006780.

Submission:

Labcorp Genetics (formerly Invitae), Labcorp
Classification: Uncertain significance for Parathyroid carcinoma. Last evaluated: 2023-12-15. Review status: criteria provided, single submitter. Criteria: Invitae Variant Classification Sherloc (09022015). Collection method: clinical testing. Allele origin: germline.
Comment: This sequence change replaces lysine, which is basic and polar, with glutamic acid, which is acidic and polar, at codon 526 of the CDC73 protein (p.Lys526Glu). This variant is not present in population databases (gnomAD no frequency). This variant has not been reported in the literature in individuals affected with CDC73-related conditions. Advanced modeling of protein sequence and biophysical properties (such as structural, functional, and spatial information, amino acid conservation, physicochemical variation, residue mobility, and thermodynamic stability) performed at Invitae indicates that this missense variant is expected to disrupt CDC73 protein function with a positive predictive value of 80%. In summary, the available evidence is currently insufficient to determine the role of this variant in disease. Therefore, it has been classified as a Variant of Uncertain Significance.